The following is an entry in ClinVar:

ClinVar aggregate classification (germline): Uncertain significance (1 of 4 stars; one submission).

Conditions:
Inborn genetic diseases. Identifiers: MedGen C0950123, MeSH D030342.

Submission:

Ambry Genetics
Classification: Uncertain significance for Inborn genetic diseases. Last evaluated: 2026-04-28. Review status: criteria provided, single submitter. Criteria: Ambry Variant Classification Scheme 2023. Collection method: clinical testing. Allele origin: germline.
Comment: The p.D553H variant (also known as c.1657G>C), located in coding exon 8 of the MECOM gene, results from a G to C substitution at nucleotide position 1657. The aspartic acid at codon 553 is replaced by histidine, an amino acid with similar properties. This amino acid position is conserved. In addition, this alteration is predicted to be tolerated by in silico analysis. Based on the available evidence, the clinical significance of this variant remains unclear.

NM_004991.4(MECOM):c.1657G>C (p.Asp553His)

Gene: MECOM (MDS1 and EVI1 complex locus; minus strand). Cytogenetic location: 3q26.2.
Variant type: single nucleotide variant.
Coding change: c.1657G>C on transcript NM_004991.4 (MANE Select); coding-DNA position 1657, G replaced by C.
Protein change: p.Asp553His; replaces aspartic acid 553 with histidine.
Molecular consequence: missense variant. On other transcripts: intron variant (2).
Genome position (GRCh38, 1-based): chr3:169,116,215, C>G on the plus strand (G>C on the coding strand, the complement: MECOM is on the minus strand). VCF-style: chr3-169116215-C-G. GRCh37 (hg19) VCF-style: chr3-168834003-C-G.
Other names: c.1288G>C, p.Asp430His (NM_001105077.4); c.1093G>C, p.Asp365His (NM_001105078.4, NM_001164000.2, NM_001205194.2 and 4 more transcripts); c.1096G>C, p.Asp366His (NM_001163999.2, NM_001366467.2, NM_001366468.2 and 1 more transcripts); c.1657G>C, p.Asp553His (NM_001366466.2); c.1133-448G>C (NM_001366473.2); c.569-448G>C (NM_001366474.2); short protein forms D365H, D366H, D430H, D553H.
Identifiers: ClinVar variation 4859761 (VCV004859761.1).